The following is an entry in ClinVar:

ClinVar aggregate classification (germline): Likely benign (1 of 4 stars; one submission).

Allele frequency attached by ClinVar (database versions not stated): gnomAD 0.00020; gnomAD exomes 0.00020; TOPMed 0.00024; ExAC 0.00036; ESP Exome Variant Server 0.00047.
gnomAD v4.1: 339 of 1,613,910 alleles (0.021%); highest among the groups gnomAD compares: Middle Eastern, 0.099%; 1 homozygote.

Submission:

CeGaT Center for Human Genetics Tuebingen
Classification: Likely benign. Last evaluated: 2022-07-01. Review status: criteria provided, single submitter. Criteria: CeGaT Center For Human Genetics Tuebingen Variant Classification Criteria Version 2. Collection method: clinical testing. Allele origin: germline. Affected: yes. Observed: 1 variant allele.
Comment: MYO1F: BP4, BP7

NM_012335.4(MYO1F):c.2313C>T (p.Tyr771=)

Gene: MYO1F (myosin IF; minus strand). Cytogenetic location: 19p13.2.
Variant type: single nucleotide variant.
Coding change: c.2313C>T on transcript NM_012335.4 (MANE Select); coding-DNA position 2313, C replaced by T.
Protein change: p.Tyr771=; no amino-acid change (tyrosine 771 retained).
Molecular consequence: synonymous variant.
Genome position (GRCh38, 1-based): chr19:8,530,211, G>A on the plus strand (C>T on the coding strand, the complement: MYO1F is on the minus strand). VCF-style: chr19-8530211-G-A. GRCh37 (hg19) VCF-style: chr19-8595095-G-A.
Other names: c.2301C>T, p.Tyr767= (NM_001348355.2).
Identifiers: ClinVar variation 2649205 (VCV002649205.24), dbSNP rs374767520, ClinGen allele CA9158923.